The following is an entry in ClinVar:

ClinVar aggregate classification (germline): Uncertain significance (1 of 4 stars; one submission).

Allele frequency attached by ClinVar (database versions not stated): TOPMed below 0.00001; gnomAD 0.00001.
gnomAD v4.1: 7 of 1,613,778 alleles (0.00043%); highest among the groups gnomAD compares: Non-Finnish European, 0.00059%; no homozygotes.

Submission:

Labcorp Genetics (formerly Invitae), Labcorp
Classification: Uncertain significance. Last evaluated: 2022-08-17. Review status: criteria provided, single submitter. Criteria: Invitae Variant Classification Sherloc (09022015). Collection method: clinical testing. Allele origin: germline.
Comment: Algorithms developed to predict the effect of missense changes on protein structure and function are either unavailable or do not agree on the potential impact of this missense change (SIFT: "Deleterious"; PolyPhen-2: "Not Available"; Align-GVGD: "Class C0"). This variant has not been reported in the literature in individuals affected with PCLO-related conditions. In summary, the available evidence is currently insufficient to determine the role of this variant in disease. Therefore, it has been classified as a Variant of Uncertain Significance. This variant is present in population databases (no rsID available, gnomAD 0.002%). This sequence change replaces serine, which is neutral and polar, with threonine, which is neutral and polar, at codon 2856 of the PCLO protein (p.Ser2856Thr).

NM_033026.6(PCLO):c.8566T>A (p.Ser2856Thr)

Gene: PCLO (piccolo presynaptic cytomatrix protein; minus strand). Cytogenetic location: 7q21.11.
Variant type: single nucleotide variant.
Coding change: c.8566T>A on transcript NM_033026.6 (MANE Select); coding-DNA position 8566, T replaced by A.
Protein change: p.Ser2856Thr; replaces serine 2856 with threonine.
Molecular consequence: missense variant.
Genome position (GRCh38, 1-based): chr7:82,952,387, A>T on the plus strand (T>A on the coding strand, the complement: PCLO is on the minus strand). VCF-style: chr7-82952387-A-T. GRCh37 (hg19) VCF-style: chr7-82581703-A-T.
Other names: c.8566T>A, p.Ser2856Thr (NM_014510.3); short protein forms S2856T.
Identifiers: ClinVar variation 2058834 (VCV002058834.4), dbSNP rs772235135, ClinGen allele CA367910802.